The following is an entry in ClinVar:

NM_001199753.2(CPT1C):c.146A>T (p.Asp49Val)

Gene: CPT1C (carnitine palmitoyltransferase 1C; plus strand). Cytogenetic location: 19q13.33.
Variant type: single nucleotide variant.
Coding change: c.146A>T on transcript NM_001199753.2 (MANE Select); coding-DNA position 146, A replaced by T.
Protein change: p.Asp49Val; replaces aspartic acid 49 with valine.
Molecular consequence: missense variant. On other transcripts: non-coding transcript variant (1).
Genome position (GRCh38, 1-based): chr19:49,697,330, A>T. VCF-style: chr19-49697330-A-T. GRCh37 (hg19) VCF-style: chr19-50200587-A-T.
Other names: c.146A>T, p.Asp49Val (NM_001136052.3, NM_001199752.3, NM_001378482.1 and 7 more transcripts); short protein forms D49V.
Identifiers: ClinVar variation 476171 (VCV000476171.6), dbSNP rs762990997, ClinGen allele CA406896343.

ClinVar aggregate classification (germline): Uncertain significance (1 of 4 stars; one submission).

Conditions:
Hereditary spastic paraplegia 73. Also called: Spastic paraplegia 73, autosomal dominant. Identifiers: Orphanet 444099, MedGen C5568981, MONDO:0014568, OMIM 616282.

gnomAD v4.1: 2 of 1,613,794 alleles (0.00012%); highest among the groups gnomAD compares: Non-Finnish European, 0.00017%; no homozygotes.

Submission:

Labcorp Genetics (formerly Invitae), Labcorp
Classification: Uncertain significance for Hereditary spastic paraplegia 73. Last evaluated: 2021-09-26. Review status: criteria provided, single submitter. Criteria: Invitae Variant Classification Sherloc (09022015). Collection method: clinical testing. Allele origin: germline.
Comment: This sequence change replaces aspartic acid with valine at codon 49 of the CPT1C protein (p.Asp49Val). The aspartic acid residue is weakly conserved and there is a large physicochemical difference between aspartic acid and valine. In summary, the available evidence is currently insufficient to determine the role of this variant in disease. Therefore, it has been classified as a Variant of Uncertain Significance. Algorithms developed to predict the effect of missense changes on protein structure and function are either unavailable or do not agree on the potential impact of this missense change (SIFT: "Tolerated"; PolyPhen-2: "Possibly Damaging"; Align-GVGD: "Class C0"). This variant has not been reported in the literature in individuals affected with CPT1C-related conditions. This variant is not present in population databases (ExAC no frequency).